The following is an entry in ClinVar:

NM_001330588.2(TPP2):c.664A>T (p.Thr222Ser)

Gene: TPP2 (tripeptidyl peptidase 2; plus strand). Cytogenetic location: 13q33.1.
Variant type: single nucleotide variant.
Coding change: c.664A>T on transcript NM_001330588.2 (MANE Select); coding-DNA position 664, A replaced by T.
Protein change: p.Thr222Ser; replaces threonine 222 with serine.
Molecular consequence: missense variant. On other transcripts: non-coding transcript variant (1).
Genome position (GRCh38, 1-based): chr13:102,622,920, A>T. VCF-style: chr13-102622920-A-T. GRCh37 (hg19) VCF-style: chr13-103275270-A-T.
Other names: c.664A>T, p.Thr222Ser (NM_001367947.1, NM_003291.4); c.664A>T (NM_003291.2); short protein forms T222S.
Identifiers: ClinVar variation 1364856 (VCV001364856.7), dbSNP rs765737542, ClinGen allele CA7037572.

ClinVar aggregate classification (germline): Uncertain significance. Review status: criteria provided, multiple submitters, no conflicts (2 of 4 stars). 2 submissions from 2 submitters: Uncertain significance (2). Last evaluated 2025-08-09.

Conditions:
Inborn genetic diseases. Identifiers: MedGen C0950123, MeSH D030342.
Evans syndrome, immunodeficiency, and premature immunosenescence associated with tripeptidyl-peptidase II deficiency. Identifiers: MedGen CN231723. Disease mechanism: loss of function.

Allele frequency attached by ClinVar (database versions not stated): ExAC 0.00003; gnomAD 0.00001; TOPMed 0.00001; gnomAD exomes 0.00002.
gnomAD v4.1: 29 of 1,614,038 alleles (0.0018%); highest among the groups gnomAD compares: Non-Finnish European, 0.0021%; no homozygotes.

Submissions (2):

Ambry Genetics
Classification: Uncertain significance for Inborn genetic diseases. Last evaluated: 2025-08-09. Review status: criteria provided, single submitter. Criteria: Ambry Variant Classification Scheme 2023. Collection method: clinical testing. Allele origin: germline.

Labcorp Genetics (formerly Invitae), Labcorp
Classification: Uncertain significance for Evans syndrome, immunodeficiency, and premature immunosenescence associated with tripeptidyl-peptidase II deficiency. Last evaluated: 2021-02-01. Review status: criteria provided, single submitter. Criteria: Invitae Variant Classification Sherloc (09022015). Collection method: clinical testing. Allele origin: germline.
Comment: This variant has not been reported in the literature in individuals with TPP2-related conditions. This variant is present in population databases (rs765737542, ExAC 0.006%). This sequence change replaces threonine with serine at codon 222 of the TPP2 protein (p.Thr222Ser). The threonine residue is moderately conserved and there is a small physicochemical difference between threonine and serine. Algorithms developed to predict the effect of missense changes on protein structure and function (SIFT, PolyPhen-2, Align-GVGD) all suggest that this variant is likely to be tolerated, but these predictions have not been confirmed by published functional studies and their clinical significance is uncertain. In summary, the available evidence is currently insufficient to determine the role of this variant in disease. Therefore, it has been classified as a Variant of Uncertain Significance.